The following is an entry in ClinVar:

NM_001961.4(EEF2):c.1828C>G (p.Pro610Ala)

Gene: EEF2 (eukaryotic translation elongation factor 2; minus strand). Cytogenetic location: 19p13.3.
Variant type: single nucleotide variant.
Coding change: c.1828C>G on transcript NM_001961.4 (MANE Select); coding-DNA position 1828, C replaced by G.
Protein change: p.Pro610Ala; replaces proline 610 with alanine.
Molecular consequence: missense variant.
Genome position (GRCh38, 1-based): chr19:3,978,058, G>C on the plus strand (C>G on the coding strand, the complement: EEF2 is on the minus strand). VCF-style: chr19-3978058-G-C. GRCh37 (hg19) VCF-style: chr19-3978056-G-C.
Other names: short protein forms P610A.
Identifiers: ClinVar variation 2338783 (VCV002338783.3), dbSNP rs2512199807, ClinGen allele CA403390942.

ClinVar aggregate classification (germline): Uncertain significance. Review status: criteria provided, multiple submitters, no conflicts (2 of 4 stars). 2 submissions from 2 submitters: Uncertain significance (2). Last evaluated 2024-07-03.

Allele frequency attached by ClinVar (database versions not stated): gnomAD exomes below 0.00001.
gnomAD v4.1: 2 of 1,587,690 alleles (0.00013%); highest among the groups gnomAD compares: Non-Finnish European, 0.00017%; no homozygotes.

Submissions (2):

GeneDx
Classification: Uncertain significance. Last evaluated: 2024-07-03. Review status: criteria provided, single submitter. Criteria: GeneDx Variant Classification Process June 2021. Collection method: clinical testing. Allele origin: germline. Affected: yes.
Comment: Not observed at significant frequency in large population cohorts (gnomAD); In silico analysis indicates that this missense variant does not alter protein structure/function; Has not been previously published as pathogenic or benign to our knowledge

Ambry Genetics
Classification: Uncertain significance. Last evaluated: 2022-12-21. Review status: criteria provided, single submitter. Criteria: Ambry Variant Classification Scheme 2023. Collection method: clinical testing. Allele origin: germline.